The following is an entry in ClinVar:

NM_001368809.2(AMPD2):c.1885G>C (p.Val629Leu)

Gene: AMPD2 (adenosine monophosphate deaminase 2; plus strand). Cytogenetic location: 1p13.3.
Variant type: single nucleotide variant.
Coding change: c.1885G>C on transcript NM_001368809.2 (MANE Select); coding-DNA position 1885, G replaced by C.
Protein change: p.Val629Leu; replaces valine 629 with leucine.
Molecular consequence: missense variant.
Genome position (GRCh38, 1-based): chr1:109,629,818, G>C. VCF-style: chr1-109629818-G-C. GRCh37 (hg19) VCF-style: chr1-110172440-G-C.
Other names: c.2047G>C, p.Val683Leu (NM_001257360.2); c.1693G>C, p.Val565Leu (NM_001257361.2); c.1822G>C, p.Val608Leu (NM_001308170.1); c.1885G>C, p.Val629Leu (NM_004037.9); c.1804G>C, p.Val602Leu (NM_139156.4); short protein forms V565L, V602L, V608L, V629L, V683L.
Identifiers: ClinVar variation 1706089 (VCV001706089.2), dbSNP rs201400448, ClinGen allele CA993220.

ClinVar aggregate classification (germline): Uncertain significance (1 of 4 stars; one submission).

Allele frequency attached by ClinVar (database versions not stated): gnomAD 0.00002; TOPMed 0.00003; ESP Exome Variant Server 0.00015.

Submission:

GeneDx
Classification: Uncertain significance. Last evaluated: 2022-03-16. Review status: criteria provided, single submitter. Criteria: GeneDx Variant Classification Process June 2021. Collection method: clinical testing. Allele origin: germline. Affected: yes.
Comment: In silico analysis supports that this missense variant does not alter protein structure/function; Has not been previously published as pathogenic or benign to our knowledge